The following is an entry in ClinVar:

NC_000017.10:g.(?_63545628)_(63545788_?)dup

Gene: AXIN2 (axin 2; minus strand). Cytogenetic location: 17q24.1.
Variant type: Duplication.
Identifiers: ClinVar variation 3243035 (VCV003243035.1).

ClinVar aggregate classification (germline): Uncertain significance (1 of 4 stars; one submission).

Conditions:
Oligodontia-cancer predisposition syndrome. Also called: TOOTH AGENESIS-COLORECTAL CANCER SYNDROME. Identifiers: Orphanet 300576, MedGen C1837750, MONDO:0012075, OMIM 608615. Disease mechanism: loss of function.

Submission:

Labcorp Genetics (formerly Invitae), Labcorp
Classification: Uncertain significance for Oligodontia-cancer predisposition syndrome. Last evaluated: 2023-10-10. Review status: criteria provided, single submitter. Criteria: Invitae Variant Classification Sherloc (09022015). Collection method: clinical testing. Allele origin: unknown.
Comment: This variant results in a copy number gain of the genomic region encompassing exon(s) 3 of the AXIN2 gene. While the exact position of this variant cannot be determined from the data, sub-genic copy number gains are generally in tandem (PMID: 25640679). This variant is predicted to be in-frame, and likely preserves the integrity of the reading frame. This variant has not been reported in the literature in individuals affected with AXIN2-related conditions. Experimental studies and prediction algorithms are not available or were not evaluated, and the functional significance of this variant is currently unknown. In summary, the available evidence is currently insufficient to determine the role of this variant in disease. Therefore, it has been classified as a Variant of Uncertain Significance.

Literature cited by the submitters: PubMed 25640679.